The following is an entry in ClinVar:

NM_000338.3(SLC12A1):c.2741G>A (p.Trp914Ter)

Gene: SLC12A1 (solute carrier family 12 member 1; plus strand). Cytogenetic location: 15q21.1.
Variant type: single nucleotide variant.
Coding change: c.2741G>A on transcript NM_000338.3 (MANE Select); coding-DNA position 2741, G replaced by A.
Protein change: p.Trp914Ter; replaces tryptophan 914 with a stop codon.
Molecular consequence: nonsense.
Genome position (GRCh38, 1-based): chr15:48,288,154, G>A. VCF-style: chr15-48288154-G-A. GRCh37 (hg19) VCF-style: chr15-48580351-G-A.
Other names: c.2741G>A, p.Trp914Ter (NM_001184832.2, NM_001384136.1); short protein forms W914*.
Identifiers: ClinVar variation 1878351 (VCV001878351.6), dbSNP rs2042079691, ClinGen allele CA392317970.

ClinVar aggregate classification (germline): Pathogenic/Likely pathogenic. Review status: criteria provided, multiple submitters, no conflicts (2 of 4 stars). 3 submissions from 3 submitters: Pathogenic (1); Likely pathogenic (2). Last evaluated 2025-04-05.

Conditions:
Bartter syndrome. Identifiers: Orphanet 112, MedGen C0004775, MONDO:0015231.

Submissions (3):

Dasa
Classification: Likely pathogenic. Last evaluated: 2025-04-05. Review status: criteria provided, single submitter. Criteria: DASA Assertion Criteria. Collection method: clinical testing. Allele origin: germline.
Comment: NM_000338.3(SLC12A1):c.2741G>A (p.Trp914*) is a nonsense variant in SLC12A1 predicted to introduce a premature termination codon and is predicted to result in an absent or altered protein product. Loss of function is an established disease mechanism for SLC12A1-associated disorders. Also, this variant is absent from population databases. Based on the currently available evidence, this variant is classified as likely pathogenic.

Labcorp Genetics (formerly Invitae), Labcorp
Classification: Pathogenic. Last evaluated: 2023-04-22. Review status: criteria provided, single submitter. Criteria: Invitae Variant Classification Sherloc (09022015). Collection method: clinical testing. Allele origin: germline.
Comment: For these reasons, this variant has been classified as Pathogenic. ClinVar contains an entry for this variant (Variation ID: 1878351). This variant has not been reported in the literature in individuals affected with SLC12A1-related conditions. This variant is not present in population databases (gnomAD no frequency). This sequence change creates a premature translational stop signal (p.Trp914*) in the SLC12A1 gene. It is expected to result in an absent or disrupted protein product. Loss-of-function variants in SLC12A1 are known to be pathogenic (PMID: 8640224, 9585600, 19096086).

Women's Health and Genetics/Laboratory Corporation of America, LabCorp
Classification: Likely pathogenic for Bartter syndrome. Last evaluated: 2022-12-21. Review status: criteria provided, single submitter. Criteria: LabCorp Variant Classification Summary - May 2015. Collection method: clinical testing. Allele origin: germline.
Comment: Variant summary: SLC12A1 c.2741G>A (p.Trp914X) results in a premature termination codon, predicted to cause a truncation of the encoded protein or absence of the protein due to nonsense mediated decay, which are commonly known mechanisms for disease. Other loss-of-function variants (including downstream truncations) have been reported in HGMD in association with Bartter syndrome. The variant was absent in 243384 control chromosomes. To our knowledge, no occurrence of c.2741G>A in individuals affected with Bartter Syndrome, Type 1 and no experimental evidence demonstrating its impact on protein function have been reported. No clinical diagnostic laboratories have submitted clinical-significance assessments for this variant to ClinVar after 2014. Based on the evidence outlined above, the variant was classified as likely pathogenic.

Literature cited by the submitters: PubMed 8640224 (cited by Labcorp Genetics (formerly Invitae), Labcorp); PubMed 9585600 (cited by Labcorp Genetics (formerly Invitae), Labcorp); PubMed 19096086 (cited by Labcorp Genetics (formerly Invitae), Labcorp).